The following is an entry in ClinVar:

NM_001482.3(GATM):c.48G>T (p.Ala16=)

Genes: GATM (glycine amidinotransferase; minus strand), LOC130056991 (ATAC-STARR-seq lymphoblastoid silent region 6406; plus strand). Cytogenetic location: 15q21.1.
Variant type: single nucleotide variant.
Coding change: c.48G>T on transcript NM_001482.3 (MANE Select); coding-DNA position 48, G replaced by T.
Protein change: p.Ala16=; no amino-acid change (alanine 16 retained).
Molecular consequence: synonymous variant. On other transcripts: intron variant (1).
Genome position (GRCh38, 1-based): chr15:45,378,406, C>A on the plus strand (G>T on the coding strand, the complement: GATM is on the minus strand). VCF-style: chr15-45378406-C-A. GRCh37 (hg19) VCF-style: chr15-45670604-C-A.
Other names: p.A16A:GCG>GCT; c.-318-1587G>T (NM_001321015.2).
Identifiers: ClinVar variation 137453 (VCV000137453.15), dbSNP rs587780951, ClinGen allele CA291044.

ClinVar aggregate classification (germline): Benign/Likely benign. Review status: criteria provided, multiple submitters, no conflicts (2 of 4 stars). 4 submissions from 4 submitters: Benign (1); Likely benign (3). Last evaluated 2024-10-28.

Conditions:
Inborn genetic diseases. Identifiers: MedGen C0950123, MeSH D030342.
Fanconi renotubular syndrome 1. Also called: FRTS1; LUDER-SHELDON SYNDROME; Toni-Debre-Fanconi syndrome; Neonatal De Toni-Debre-Fanconi syndrome; De Toni-Fanconi syndrome. Identifiers: MedGen C4551503, MONDO:0024525, OMIM 134600.
Arginine:glycine amidinotransferase deficiency (CCDS3). Also called: L-Arginine:Glycine Amidinotransferase Deficiency; L-Arginine:Glycine Amidinotransferase (AGAT) Deficiency; AGAT deficiency; Creatine deficiency syndrome due to AGAT deficiency; GATM deficiency; Cerebral creatine deficiency syndrome 3. Identifiers: Orphanet 35704, MedGen C2675179, MONDO:0012996, OMIM 612718.

Allele frequency attached by ClinVar (database versions not stated): TOPMed 0.00001; gnomAD 0.00001.
gnomAD v4.1: 63 of 1,506,410 alleles (0.0042%); highest among the groups gnomAD compares: Non-Finnish European, 0.0053%; no homozygotes.

Submissions (4):

Labcorp Genetics (formerly Invitae), Labcorp
Classification: Likely benign for Arginine:glycine amidinotransferase deficiency. Last evaluated: 2024-10-28. Review status: criteria provided, single submitter. Criteria: Invitae Variant Classification Sherloc (09022015). Collection method: clinical testing. Allele origin: germline.

Fulgent Genetics
Classification: Likely benign for Fanconi renotubular syndrome 1; Arginine:glycine amidinotransferase deficiency. Last evaluated: 2022-04-22. Review status: criteria provided, single submitter. Criteria: ACMG Guidelines, 2015. Collection method: clinical testing. Allele origin: unknown.

Ambry Genetics
Classification: Likely benign for Inborn genetic diseases. Last evaluated: 2017-05-31. Review status: criteria provided, single submitter. Criteria: Ambry Variant Classification Scheme 2023. Collection method: clinical testing. Allele origin: germline.

GeneDx
Classification: Benign. Last evaluated: 2013-03-22. Review status: criteria provided, single submitter. Criteria: GeneDx Variant Classification (06012015). Collection method: clinical testing. Allele origin: germline. Affected: yes.
Comment: This variant is considered likely benign or benign based on one or more of the following criteria: it is a conservative change, it occurs at a poorly conserved position in the protein, it is predicted to be benign by multiple in silico algorithms, and/or has population frequency not consistent with disease.